The following is an entry in ClinVar:

ClinVar aggregate classification (germline): Pathogenic (1 of 4 stars; one submission).

Conditions:
Familial hemiplegic migraine. Identifiers: MedGen C0338484, MONDO:0000700.

Submission:

Labcorp Genetics (formerly Invitae), Labcorp
Classification: Pathogenic for Familial hemiplegic migraine. Last evaluated: 2023-04-26. Review status: criteria provided, single submitter. Criteria: Invitae Variant Classification Sherloc (09022015). Collection method: clinical testing. Allele origin: germline.
Comment: This premature translational stop signal has been observed in individual(s) with clinical features consistent with alternating hemiplegia (Invitae). This variant is not present in population databases (gnomAD no frequency). This sequence change creates a premature translational stop signal (p.Ile995Asnfs*5) in the ATP1A2 gene. While this is not anticipated to result in nonsense mediated decay, it is expected to disrupt the last 26 amino acid(s) of the ATP1A2 protein. This variant disrupts a region of the ATP1A2 protein in which other variant(s) (p.Tyr1009*) have been determined to be pathogenic (PMID: 18644608, 24921013). This suggests that this is a clinically significant region of the protein, and that variants that disrupt it are likely to be disease-causing. For these reasons, this variant has been classified as Pathogenic.

Literature cited by the submitters: PubMed 18644608; PubMed 24921013.

NM_000702.4(ATP1A2):c.2983dup (p.Ile995fs)

Gene: ATP1A2 (ATPase Na+/K+ transporting subunit alpha 2; plus strand). Cytogenetic location: 1q23.2.
Variant type: Duplication.
Coding change: c.2983dup on transcript NM_000702.4 (MANE Select); coding-DNA position 2983, one base duplicated (A; older notation c.2983dupA).
Protein change: p.Ile995fs; shifts the reading frame from isoleucine 995.
Molecular consequence: frameshift variant.
Genome position (GRCh38, 1-based): chr1:160,139,933, A duplicated. VCF-style (leftmost placement, unchanged base first): chr1-160139932-C-CA. GRCh37 (hg19) VCF-style: chr1-160109722-C-CA.
Other names: short protein forms I995fs.
Identifiers: ClinVar variation 2859530 (VCV002859530.3), dbSNP rs2524899135, ClinGen allele CA2739275370.